The following is an entry in ClinVar:

ClinVar aggregate classification (germline): Likely benign. Review status: criteria provided, multiple submitters, no conflicts (2 of 4 stars). 2 submissions from 2 submitters: Likely benign (2). Last evaluated 2025-06-12.

Allele frequency attached by ClinVar (database versions not stated): ExAC 0.00001; gnomAD 0.00001; gnomAD exomes 0.00001; TOPMed 0.00003; 1000 Genomes Project 0.00020; 1000 Genomes Project 30x 0.00031.
gnomAD v4.1: 16 of 1,614,206 alleles (0.00099%); highest among the groups gnomAD compares: Admixed American, 0.013%; no homozygotes.

Submissions (2):

Labcorp Genetics (formerly Invitae), Labcorp
Classification: Likely benign. Last evaluated: 2025-06-12. Review status: criteria provided, single submitter. Criteria: Invitae Variant Classification Sherloc (09022015). Collection method: clinical testing. Allele origin: germline.

Laboratory for Molecular Medicine, Mass General Brigham Personalized Medicine
Classification: Likely benign. Last evaluated: 2013-02-01. Review status: criteria provided, single submitter. Criteria: LMM Criteria. Collection method: clinical testing. Allele origin: germline. Observed: 1 variant allele.
Comment: Leu837Leu in exon 9 of TECTA: This variant has been identified in 0.05% (1/2178) of chromosomes from the 1000 Genomes Project (1000Genomes; dbSNP rs201725913) a nd is not expected to have clinical significance because it does not alter an am ino acid residue and it is not located within the splice consensus sequence.

NM_005422.4(TECTA):c.2511G>A (p.Leu837=)

Genes: TBCEL-TECTA (TBCEL-TECTA readthrough; plus strand), TECTA (tectorin alpha; plus strand), LOC126861365 (P300/CBP strongly-dependent group 1 enhancer GRCh37_chr11:121000154-121001353; plus strand). Cytogenetic location: 11q23.3.
Variant type: single nucleotide variant.
Coding change: c.2511G>A on transcript NM_005422.4 (MANE Select); coding-DNA position 2511, G replaced by A.
Protein change: p.Leu837=; no amino-acid change (leucine 837 retained).
Molecular consequence: synonymous variant.
Genome position (GRCh38, 1-based): chr11:121,129,781, G>A. VCF-style: chr11-121129781-G-A. GRCh37 (hg19) VCF-style: chr11-121000490-G-A.
Other names: c.3468G>A, p.Leu1156= (NM_001378761.1).
Identifiers: ClinVar variation 45321 (VCV000045321.10), dbSNP rs201725913, ClinGen allele CA136032.